The following is an entry in ClinVar:

NM_004260.4(RECQL4):c.1704+8C>T

Gene: RECQL4 (RecQ like helicase 4; minus strand). Cytogenetic location: 8q24.3.
Variant type: single nucleotide variant.
Coding change: c.1704+8C>T on transcript NM_004260.4 (MANE Select); 8 bases into the intron after coding-DNA position 1704, C replaced by T.
Molecular consequence: intron variant.
Genome position (GRCh38, 1-based): chr8:144,514,434, G>A on the plus strand (C>T on the coding strand, the complement: RECQL4 is on the minus strand). VCF-style: chr8-144514434-G-A. GRCh37 (hg19) VCF-style: chr8-145739818-G-A.
Other names: c.1575+8C>T (NM_001413025.1); c.1353+8C>T (NM_001413029.1); c.567+8C>T (NM_001413032.1, NM_001413027.1, NM_001413031.1 and 2 more transcripts); c.633+8C>T (NM_001413035.1, NM_001413040.1, NM_001413021.1 and 7 more transcripts); c.1608+8C>T (NM_001413017.1, NM_001413020.1); c.1674+8C>T (NM_001413039.1); c.1704+8C>T (NM_001413033.1, NM_001413018.1, NM_001413036.1 and 1 more transcripts); c.237+8C>T (NM_001413043.1); and 1 more.
Identifiers: ClinVar variation 3251197 (VCV003251197.20), dbSNP rs1827852857.

ClinVar aggregate classification (germline): Conflicting classifications of pathogenicity. Review status: criteria provided, conflicting classifications (1 of 4 stars). 2 submissions from 2 submitters: Uncertain significance (1); Likely benign (1). Last evaluated 2025-03-31.

Conditions:
Baller-Gerold syndrome (BGS). Also called: CRANIOSYNOSTOSIS WITH RADIAL DEFECTS. Identifiers: Orphanet 1225, MedGen C0265308, MONDO:0009039, OMIM 218600.

Allele frequency attached by ClinVar (database versions not stated): gnomAD exomes below 0.00001.
gnomAD v4.1: 1 of 1,610,970 alleles (0.000062%); highest among the groups gnomAD compares: Non-Finnish European, 0.000085%; no homozygotes.

Submissions (2):

Labcorp Genetics (formerly Invitae), Labcorp
Classification: Likely benign for Baller-Gerold syndrome. Last evaluated: 2025-03-31. Review status: criteria provided, single submitter. Criteria: Invitae Variant Classification Sherloc (09022015). Collection method: clinical testing. Allele origin: germline.

CeGaT Center for Human Genetics Tuebingen
Classification: Uncertain significance. Last evaluated: 2024-06-01. Review status: criteria provided, single submitter. Criteria: CeGaT Center For Human Genetics Tuebingen Variant Classification Criteria Version 2. Collection method: clinical testing. Allele origin: germline. Affected: yes. Observed: 1 variant allele.
Comment: RECQL4: PM2, BP4